The following is an entry in ClinVar:

ClinVar aggregate classification (germline): Benign/Likely benign. Review status: criteria provided, multiple submitters, no conflicts (2 of 4 stars). 5 submissions from 5 submitters: Benign (1); Likely benign (4). Last evaluated 2026-01-31.

Conditions:
Inborn genetic diseases. Identifiers: MedGen C0950123, MeSH D030342.
Niemann-Pick disease, type C1. Also called: NEUROVISCERAL STORAGE DISEASE WITH VERTICAL SUPRANUCLEAR OPHTHALMOPLEGIA; NIEMANN-PICK DISEASE WITH CHOLESTEROL ESTERIFICATION BLOCK; NIEMANN-PICK DISEASE WITHOUT SPHINGOMYELINASE DEFICIENCY; NIEMANN-PICK DISEASE, CHRONIC NEURONOPATHIC FORM; NIEMANN-PICK DISEASE, VARIANT TYPE C1. Identifiers: Orphanet 646, MedGen C3179455, MONDO:0009757, OMIM 257220.

Allele frequency attached by ClinVar (database versions not stated): TOPMed 0.00014.
gnomAD v4.1: 702 of 1,613,750 alleles (0.044%); highest among the groups gnomAD compares: Non-Finnish European, 0.057%; no homozygotes.

Submissions (5):

Labcorp Genetics (formerly Invitae), Labcorp
Classification: Likely benign for Niemann-Pick disease, type C1. Last evaluated: 2026-01-31. Review status: criteria provided, single submitter. Criteria: Invitae Variant Classification Sherloc (09022015). Collection method: clinical testing. Allele origin: germline.

Blueprint Genetics
Classification: Likely benign. Last evaluated: 2024-07-15. Review status: criteria provided, single submitter. Criteria: ACMG Guidelines, 2015. Collection method: clinical testing. Allele origin: germline.

Ambry Genetics
Classification: Likely benign for Inborn genetic diseases. Last evaluated: 2022-07-23. Review status: criteria provided, single submitter. Criteria: Ambry Variant Classification Scheme 2023. Collection method: clinical testing. Allele origin: germline.

Illumina Laboratory Services, Illumina
Classification: Benign for Niemann-Pick disease type C1. Last evaluated: 2017-04-27. Review status: criteria provided, single submitter. Criteria: ICSL Variant Classification Criteria 13 December 2019. Collection method: clinical testing. Allele origin: germline.
Comment: This variant was observed as part of a predisposition screen in an ostensibly healthy population. A literature search was performed for the gene, cDNA change, and amino acid change (where applicable). No publications were found based on this search. Allele frequency data from public databases was too high to be consistent with this variant causing disease. Therefore, this variant is classified as benign.

PreventionGenetics, part of Exact Sciences
Classification: Likely benign. Review status: criteria provided, single submitter. Criteria: ACMG Guidelines, 2015. Collection method: clinical testing. Allele origin: germline.

NM_000271.5(NPC1):c.3561G>A (p.Ala1187=)

Gene: NPC1 (NPC intracellular cholesterol transporter 1; minus strand). Cytogenetic location: 18q11.2.
Variant type: single nucleotide variant.
Coding change: c.3561G>A on transcript NM_000271.5 (MANE Select); coding-DNA position 3561, G replaced by A.
Protein change: p.Ala1187=; no amino-acid change (alanine 1187 retained).
Molecular consequence: synonymous variant.
Genome position (GRCh38, 1-based): chr18:23,534,476, C>T on the plus strand (G>A on the coding strand, the complement: NPC1 is on the minus strand). VCF-style: chr18-23534476-C-T. GRCh37 (hg19) VCF-style: chr18-21114440-C-T.
Identifiers: ClinVar variation 255698 (VCV000255698.19), dbSNP rs55724504, ClinGen allele CA8912729.